The following is an entry in ClinVar:

ClinVar aggregate classification (germline): Uncertain significance (1 of 4 stars; one submission).

Conditions:
Ataxia-telangiectasia syndrome (AT). Also called: Ataxia-telangiectasia, complementation group D; AT, COMPLEMENTATION GROUP C; ATAXIA-TELANGIECTASIA, COMPLEMENTATION GROUP A; ATAXIA-TELANGIECTASIA, FRESNO VARIANT; Ataxia-telangiectasia; Cerebello-oculocutaneous telangiectasia. Identifiers: Orphanet 100, MedGen C0004135, MONDO:0008840, OMIM 208900.

Allele frequency attached by ClinVar (database versions not stated): gnomAD exomes below 0.00001.
gnomAD v4.1: 1 of 1,613,796 alleles (0.000062%); highest among the groups gnomAD compares: East Asian, 0.0022%; no homozygotes.

Submission:

Labcorp Genetics (formerly Invitae), Labcorp
Classification: Uncertain significance for Ataxia-telangiectasia syndrome. Last evaluated: 2021-05-18. Review status: criteria provided, single submitter. Criteria: Invitae Variant Classification Sherloc (09022015). Collection method: clinical testing. Allele origin: germline.
Comment: In summary, the available evidence is currently insufficient to determine the role of this variant in disease. Therefore, it has been classified as a Variant of Uncertain Significance. Advanced modeling of protein sequence and biophysical properties (such as structural, functional, and spatial information, amino acid conservation, physicochemical variation, residue mobility, and thermodynamic stability) performed at Invitae indicates that this missense variant is not expected to disrupt ATM protein function. This variant has not been reported in the literature in individuals with ATM-related conditions. This variant is not present in population databases (ExAC no frequency). This sequence change replaces glycine with glutamic acid at codon 1307 of the ATM protein (p.Gly1307Glu). The glycine residue is weakly conserved and there is a moderate physicochemical difference between glycine and glutamic acid.

NM_000051.4(ATM):c.3920G>A (p.Gly1307Glu)

Gene: ATM (ATM serine/threonine kinase; plus strand). Cytogenetic location: 11q22.3.
Variant type: single nucleotide variant.
Coding change: c.3920G>A on transcript NM_000051.4 (MANE Select); coding-DNA position 3920, G replaced by A.
Protein change: p.Gly1307Glu; replaces glycine 1307 with glutamic acid.
Molecular consequence: missense variant.
Genome position (GRCh38, 1-based): chr11:108,284,400, G>A. VCF-style: chr11-108284400-G-A. GRCh37 (hg19) VCF-style: chr11-108155127-G-A.
Other names: c.3920G>A, p.Gly1307Glu (NM_001351834.2); short protein forms G1307E.
Identifiers: ClinVar variation 1000441 (VCV001000441.8), dbSNP rs2082385270, ClinGen allele CA382525793.
Genomic context (GRCh38, chr11:108,284,400, plus strand): 5'-TTCCAAAGATTCTTGTAAATATTCTTCCTTATTTTGCCTATGAGGGTACCAGAGACAGTG[G>A]GATGGCACAGCAAAGAGAGACTGCTACCAAGGTCTATGATATGCTTAAAAGTGAAAACTT-3'
Protein context (NP_000042.3, residues 1297-1317): YFAYEGTRDS[Gly1307Glu]MAQQRETATK